The following is an entry in ClinVar:

ClinVar aggregate classification (germline): Uncertain significance (1 of 4 stars; one submission).

gnomAD v4.1: 1 of 1,613,840 alleles (0.000062%); highest among the groups gnomAD compares: Non-Finnish European, 0.000085%; no homozygotes.

Submission:

Labcorp Genetics (formerly Invitae), Labcorp
Classification: Uncertain significance. Last evaluated: 2020-02-11. Review status: criteria provided, single submitter. Criteria: Invitae Variant Classification Sherloc (09022015). Collection method: clinical testing. Allele origin: germline.
Comment: This sequence change replaces glutamic acid with valine at codon 599 of the PROM1 protein (p.Glu599Val). The glutamic acid residue is moderately conserved and there is a moderate physicochemical difference between glutamic acid and valine. This variant is not present in population databases (ExAC no frequency). This variant has not been reported in the literature in individuals with PROM1-related conditions. Algorithms developed to predict the effect of missense changes on protein structure and function are either unavailable or do not agree on the potential impact of this missense change (SIFT: "Deleterious"; PolyPhen-2: "Probably Damaging"; Align-GVGD: "Class C15"). Algorithms developed to predict the effect of sequence changes on RNA splicing suggest that this variant may create or strengthen a splice site, but this prediction has not been confirmed by published transcriptional studies. In summary, the available evidence is currently insufficient to determine the role of this variant in disease. Therefore, it has been classified as a Variant of Uncertain Significance.

NM_006017.3(PROM1):c.1796A>T (p.Glu599Val)

Gene: PROM1 (prominin 1; minus strand). Cytogenetic location: 4p15.32.
Variant type: single nucleotide variant.
Coding change: c.1796A>T on transcript NM_006017.3 (MANE Select); coding-DNA position 1796, A replaced by T.
Protein change: p.Glu599Val; replaces glutamic acid 599 with valine.
Molecular consequence: missense variant.
Genome position (GRCh38, 1-based): chr4:15,992,363, T>A on the plus strand (A>T on the coding strand, the complement: PROM1 is on the minus strand). VCF-style: chr4-15992363-T-A. GRCh37 (hg19) VCF-style: chr4-15993986-T-A.
Other names: c.1769A>T, p.Glu590Val (NM_001145847.2, NM_001145848.2, NM_001145851.2 and 4 more transcripts); c.1796A>T, p.Glu599Val (NM_001145849.2, NM_001145850.2); short protein forms E590V, E599V.
Identifiers: ClinVar variation 967247 (VCV000967247.9), dbSNP rs1721280933, ClinGen allele CA356431001.